The following is an entry in ClinVar:

ClinVar aggregate classification (germline): Benign/Likely benign. Review status: criteria provided, multiple submitters, no conflicts (2 of 4 stars). 4 submissions from 4 submitters: Benign (1); Likely benign (3). Last evaluated 2026-01-28.

Allele frequency attached by ClinVar (database versions not stated): TOPMed 0.00080; gnomAD 0.00081 and 0.00088; 1000 Genomes Project 30x 0.00094; ESP Exome Variant Server 0.00115; 1000 Genomes Project 0.00120; gnomAD exomes 0.00147 and 0.00152; ExAC 0.00161.
gnomAD v4.1: 2,356 of 1,613,376 alleles (0.15%); highest among the groups gnomAD compares: South Asian, 0.44%; 4 homozygotes.

Submissions (4):

Labcorp Genetics (formerly Invitae), Labcorp
Classification: Benign. Last evaluated: 2026-01-28. Review status: criteria provided, single submitter. Criteria: Invitae Variant Classification Sherloc (09022015). Collection method: clinical testing. Allele origin: germline.

CeGaT Center for Human Genetics Tuebingen
Classification: Likely benign. Last evaluated: 2025-08-01. Review status: criteria provided, single submitter. Criteria: CeGaT Center For Human Genetics Tuebingen Variant Classification Criteria Version 2. Collection method: clinical testing. Allele origin: germline. Affected: yes. Observed: 16 variant alleles.
Comment: SLC1A2: BP4, BP7

Blueprint Genetics
Classification: Likely benign. Last evaluated: 2024-11-26. Review status: criteria provided, single submitter. Criteria: ACMG Guidelines, 2015. Collection method: clinical testing. Allele origin: germline.

Breakthrough Genomics
Classification: Likely benign. Review status: criteria provided, single submitter. Criteria: ACMG Guidelines, 2015. Collection method: not provided. Allele origin: germline. Inheritance: Autosomal dominant inheritance. Affected: yes.

NM_004171.4(SLC1A2):c.1368C>T (p.Ala456=)

Gene: SLC1A2 (solute carrier family 1 member 2; minus strand). Cytogenetic location: 11p13.
Variant type: single nucleotide variant.
Coding change: c.1368C>T on transcript NM_004171.4 (MANE Select); coding-DNA position 1368, C replaced by T.
Protein change: p.Ala456=; no amino-acid change (alanine 456 retained).
Molecular consequence: synonymous variant.
Genome position (GRCh38, 1-based): chr11:35,280,920, G>A on the plus strand (C>T on the coding strand, the complement: SLC1A2 is on the minus strand). VCF-style: chr11-35280920-G-A. GRCh37 (hg19) VCF-style: chr11-35302467-G-A.
Other names: c.1341C>T, p.Ala447= (NM_001195728.3, NM_001252652.2).
Identifiers: ClinVar variation 767309 (VCV000767309.43), dbSNP rs16927239, ClinGen allele CA5947093.